The following is an entry in ClinVar:

ClinVar aggregate classification (germline): Likely benign (1 of 4 stars; one submission).

Allele frequency attached by ClinVar (database versions not stated): ESP Exome Variant Server 0.00015; TOPMed 0.00017; gnomAD 0.00018; gnomAD exomes 0.00021; ExAC 0.00035.
gnomAD v4.1: 328 of 1,604,698 alleles (0.02%); highest among the groups gnomAD compares: Non-Finnish European, 0.026%; no homozygotes.

Submission:

CeGaT Center for Human Genetics Tuebingen
Classification: Likely benign. Last evaluated: 2023-02-01. Review status: criteria provided, single submitter. Criteria: CeGaT Center For Human Genetics Tuebingen Variant Classification Criteria Version 2. Collection method: clinical testing. Allele origin: germline. Affected: yes. Observed: 1 variant allele.
Comment: ARVCF: BP4, BP7

NM_001670.3(ARVCF):c.1584T>C (p.Asn528=)

Gene: ARVCF (ARVCF delta catenin family member; minus strand). Cytogenetic location: 22q11.21.
Variant type: single nucleotide variant.
Coding change: c.1584T>C on transcript NM_001670.3 (MANE Select); coding-DNA position 1584, T replaced by C.
Protein change: p.Asn528=; no amino-acid change (asparagine 528 retained).
Molecular consequence: synonymous variant.
Genome position (GRCh38, 1-based): chr22:19,978,072, A>G on the plus strand (T>C on the coding strand, the complement: ARVCF is on the minus strand). VCF-style: chr22-19978072-A-G. GRCh37 (hg19) VCF-style: chr22-19965595-A-G.
Other names: c.1395T>C, p.Asn465= (NM_001410839.1).
Identifiers: ClinVar variation 2652874 (VCV002652874.24), dbSNP rs146560850, ClinGen allele CA10105525.